The following is an entry in ClinVar:

ClinVar aggregate classification (germline): Uncertain significance (1 of 4 stars; one submission).

Conditions:
Familial melanoma. Also called: Hereditary melanoma; Hereditary cutaneous melanoma. Identifiers: Orphanet 618, MedGen C1512419, MONDO:0018961.

Submission:

Labcorp Genetics (formerly Invitae), Labcorp
Classification: Uncertain significance for Familial melanoma. Last evaluated: 2023-08-30. Review status: criteria provided, single submitter. Criteria: Invitae Variant Classification Sherloc (09022015). Collection method: clinical testing. Allele origin: germline.
Comment: In summary, the available evidence is currently insufficient to determine the role of this variant in disease. Therefore, it has been classified as a Variant of Uncertain Significance. Variants that disrupt the consensus splice site are a relatively common cause of aberrant splicing (PMID: 17576681, 9536098). Algorithms developed to predict the effect of sequence changes on RNA splicing suggest that this variant is not likely to affect RNA splicing. This variant has not been reported in the literature in individuals affected with CDK4-related conditions. This variant is not present in population databases (gnomAD no frequency). This sequence change falls in intron 3 of the CDK4 gene. It does not directly change the encoded amino acid sequence of the CDK4 protein. It affects a nucleotide within the consensus splice site.

Literature cited by the submitters: PubMed 17576681; PubMed 9536098.

NM_000075.4(CDK4):c.354+5G>A

Gene: CDK4 (cyclin dependent kinase 4; minus strand). Cytogenetic location: 12q14.1.
Variant type: single nucleotide variant.
Coding change: c.354+5G>A on transcript NM_000075.4 (MANE Select); 5 bases into the intron after coding-DNA position 354, G replaced by A.
Molecular consequence: intron variant.
Genome position (GRCh38, 1-based): chr12:57,751,202, C>T on the plus strand (G>A on the coding strand, the complement: CDK4 is on the minus strand). VCF-style: chr12-57751202-C-T. GRCh37 (hg19) VCF-style: chr12-58144985-C-T.
Identifiers: ClinVar variation 2756466 (VCV002756466.3), dbSNP rs2140387171, ClinGen allele CA2697559337.